The following is an entry in ClinVar:

NM_001127208.3(TET2):c.4732C>T (p.Pro1578Ser)

Genes: TET2 (tet methylcytosine dioxygenase 2; plus strand), TET2-AS1 (TET2 antisense RNA 1; minus strand). Cytogenetic location: 4q24.
Variant type: single nucleotide variant.
Coding change: c.4732C>T on transcript NM_001127208.3 (MANE Select); coding-DNA position 4732, C replaced by T.
Protein change: p.Pro1578Ser; replaces proline 1578 with serine.
Molecular consequence: missense variant.
Genome position (GRCh38, 1-based): chr4:105,275,242, C>T. VCF-style: chr4-105275242-C-T. GRCh37 (hg19) VCF-style: chr4-106196399-C-T.
Other names: short protein forms P1578S.
Identifiers: ClinVar variation 5040369 (VCV005040369.1).

ClinVar aggregate classification (germline): Uncertain significance (1 of 4 stars; one submission).

gnomAD v4.1: 1 of 1,552,304 alleles (0.000064%); highest among the groups gnomAD compares: Non-Finnish European, 0.000087%; no homozygotes.

Submission:

CeGaT Center for Human Genetics Tuebingen
Classification: Uncertain significance. Last evaluated: 2026-08-01. Review status: criteria provided, single submitter. Criteria: CeGaT Center For Human Genetics Tuebingen Variant Classification Criteria Version 2. Collection method: clinical testing. Allele origin: germline. Affected: yes. Observed: 1 variant allele.
Comment: TET2: PM2, BP4